The following is an entry in ClinVar:

ClinVar aggregate classification (germline): Uncertain significance (1 of 4 stars; one submission).

Conditions:
Early-infantile DEE. Also called: Early infantile epileptic encephalopathy with suppression bursts; Early infantile epileptic encephalopathy; Ohtahara syndrome. Identifiers: Orphanet 1934, MedGen C0393706, MONDO:0800491.

gnomAD v4.1: 1 of 1,613,616 alleles (0.000062%); highest among the groups gnomAD compares: African/African-American, 0.0013%; no homozygotes.

Submission:

Labcorp Genetics (formerly Invitae), Labcorp
Classification: Uncertain significance for Early-infantile DEE. Last evaluated: 2024-02-29. Review status: criteria provided, single submitter. Criteria: Invitae Variant Classification Sherloc (09022015). Collection method: clinical testing. Allele origin: germline.
Comment: This sequence change replaces leucine, which is neutral and non-polar, with phenylalanine, which is neutral and non-polar, at codon 536 of the KCNQ2 protein (p.Leu536Phe). This variant is not present in population databases (gnomAD no frequency). This variant has not been reported in the literature in individuals affected with KCNQ2-related conditions. Advanced modeling of protein sequence and biophysical properties (such as structural, functional, and spatial information, amino acid conservation, physicochemical variation, residue mobility, and thermodynamic stability) performed at Invitae indicates that this missense variant is expected to disrupt KCNQ2 protein function with a positive predictive value of 95%. In summary, the available evidence is currently insufficient to determine the role of this variant in disease. Therefore, it has been classified as a Variant of Uncertain Significance.

NM_172107.4(KCNQ2):c.1606C>T (p.Leu536Phe)

Gene: KCNQ2 (potassium voltage-gated channel subfamily Q member 2; minus strand). Cytogenetic location: 20q13.33.
Variant type: single nucleotide variant.
Coding change: c.1606C>T on transcript NM_172107.4 (MANE Select); coding-DNA position 1606, C replaced by T.
Protein change: p.Leu536Phe; replaces leucine 536 with phenylalanine.
Molecular consequence: missense variant.
Genome position (GRCh38, 1-based): chr20:63,414,113, G>A on the plus strand (C>T on the coding strand, the complement: KCNQ2 is on the minus strand). VCF-style: chr20-63414113-G-A. GRCh37 (hg19) VCF-style: chr20-62045466-G-A.
Other names: c.1552C>T, p.Leu518Phe (NM_001382235.1, NM_172106.3); c.1522C>T, p.Leu508Phe (NM_004518.6); c.1513C>T, p.Leu505Phe (NM_172108.5); short protein forms L505F, L508F, L518F, L536F.
Identifiers: ClinVar variation 3623467 (VCV003623467.2).
Genomic context (GRCh38, chr20:63,414,113, plus strand): 5'-ACTCCCCCAGGCTCCCGGCTGGGCAGGGGCCTCACCACACGGCTCTGATGCTGACTTTGA[G>A]GCCCGGGGTCAGGTCCTCGGTCACAAACTCGCAGGGGCAGCTCTTGTCATCCACAATGTC-3'
Protein context (NP_742105.1, residues 526-546): EFVTEDLTPG[Leu536Phe]KVSIRAVCVM